The following is an entry in ClinVar:

ClinVar aggregate classification (germline): Benign/Likely benign. Review status: criteria provided, multiple submitters, no conflicts (2 of 4 stars). 3 submissions from 3 submitters: Benign (2); Likely benign (1). Last evaluated 2025-10-09.

Conditions:
CNOT3-related disorder. Also called: CNOT3-related condition.

Allele frequency attached by ClinVar (database versions not stated): ExAC 0.00065; ESP Exome Variant Server 0.00185; gnomAD 0.00202; TOPMed 0.00227; 1000 Genomes Project 0.00359; 1000 Genomes Project 30x 0.00375.
gnomAD v4.1: 726 of 1,607,880 alleles (0.045%); highest among the groups gnomAD compares: African/African-American, 0.82%; 1 homozygote.

Submissions (3):

Labcorp Genetics (formerly Invitae), Labcorp
Classification: Benign. Last evaluated: 2025-10-09. Review status: criteria provided, single submitter. Criteria: Invitae Variant Classification Sherloc (09022015). Collection method: clinical testing. Allele origin: germline.

PreventionGenetics, part of Exact Sciences
Classification: Benign for CNOT3-related condition. Last evaluated: 2025-06-11. Review status: criteria provided, single submitter. Criteria: ACMG Guidelines, 2015. Collection method: clinical testing. Allele origin: germline.
Comment: This variant is classified as benign based on ACMG/AMP sequence variant interpretation guidelines (Richards et al. 2015 PMID: 25741868, with internal and published modifications).

Blueprint Genetics
Classification: Likely benign. Last evaluated: 2024-06-28. Review status: criteria provided, single submitter. Criteria: ACMG Guidelines, 2015. Collection method: clinical testing. Allele origin: germline.

NM_014516.4(CNOT3):c.387+9G>T

Gene: CNOT3 (CCR4-NOT transcription complex subunit 3; plus strand). Cytogenetic location: 19q13.42.
Variant type: single nucleotide variant.
Coding change: c.387+9G>T on transcript NM_014516.4 (MANE Select); 9 bases into the intron after coding-DNA position 387, G replaced by T.
Molecular consequence: intron variant.
Genome position (GRCh38, 1-based): chr19:54,144,143, G>T. VCF-style: chr19-54144143-G-T. GRCh37 (hg19) VCF-style: chr19-54647879-G-T.
Other names: c.387+9G>T (NM_014516.3).
Identifiers: ClinVar variation 1971464 (VCV001971464.7), dbSNP rs143820433, ClinGen allele CA309338655.
Genomic context (GRCh38, chr19:54,144,143, plus strand): 5'-GAAGGTAGATCCTGCCCAGAAGGAGAAGGAAGAGGTTGGCCAGTGGCTCACGGTGAGTTG[G>T]GGTAGAGAAGAGGAGGTGAACTCTGAGGATCCTGAGCCCTGGGTGTAGGCGGAACCCTAG-3'